The following is an entry in ClinVar:

ClinVar aggregate classification (germline): Pathogenic (1 of 4 stars; one submission).

Submission:

Labcorp Genetics (formerly Invitae), Labcorp
Classification: Pathogenic. Last evaluated: 2025-02-15. Review status: criteria provided, single submitter. Criteria: Invitae Variant Classification Sherloc (09022015). Collection method: clinical testing. Allele origin: germline.
Comment: This sequence change creates a premature translational stop signal (p.Arg70*) in the LMX1B gene. It is expected to result in an absent or disrupted protein product. Loss-of-function variants in LMX1B are known to be pathogenic (PMID: 9590287, 15498463). This variant is not present in population databases (gnomAD no frequency). This premature translational stop signal has been observed in individual(s) with nail-patella syndrome (PMID: 11668639). This variant is also known as R47X. ClinVar contains an entry for this variant (Variation ID: 1457454). For these reasons, this variant has been classified as Pathogenic.

Literature cited by the submitters: PubMed 9590287; PubMed 15498463; PubMed 11668639.

NM_001174147.2(LMX1B):c.208C>T (p.Arg70Ter)

Gene: LMX1B (LIM homeobox transcription factor 1 beta; plus strand). Cytogenetic location: 9q33.3.
Variant type: single nucleotide variant.
Coding change: c.208C>T on transcript NM_001174147.2 (MANE Select); coding-DNA position 208, C replaced by T.
Protein change: p.Arg70Ter; replaces arginine 70 with a stop codon.
Molecular consequence: nonsense.
Genome position (GRCh38, 1-based): chr9:126,615,451, C>T. VCF-style: chr9-126615451-C-T. GRCh37 (hg19) VCF-style: chr9-129377730-C-T.
Other names: c.208C>T, p.Arg70Ter (NM_001174146.2, NM_002316.4); short protein forms R70*.
Identifiers: ClinVar variation 1457454 (VCV001457454.8), dbSNP rs2118823374, ClinGen allele CA374909989.